The following is an entry in ClinVar:

ClinVar aggregate classification (germline): Uncertain significance (1 of 4 stars; one submission).

Conditions:
Familial cold autoinflammatory syndrome 2 (FCAS2). Identifiers: Orphanet 247868, MedGen C2673198, MONDO:0012724, OMIM 611762.

gnomAD v4.1: 2 of 1,614,050 alleles (0.00012%); highest among the groups gnomAD compares: African/African-American, 0.0013%; no homozygotes.

Submission:

Labcorp Genetics (formerly Invitae), Labcorp
Classification: Uncertain significance for Familial cold autoinflammatory syndrome 2. Last evaluated: 2025-04-26. Review status: criteria provided, single submitter. Criteria: Invitae Variant Classification Sherloc (09022015). Collection method: clinical testing. Allele origin: germline.
Comment: This sequence change affects codon 72 of the NLRP12 mRNA. It is a 'silent' change, meaning that it does not change the encoded amino acid sequence of the NLRP12 protein. This variant is not present in population databases (gnomAD no frequency). This variant has not been reported in the literature in individuals affected with NLRP12-related conditions. Algorithms developed to predict the effect of sequence changes on RNA splicing suggest that this variant may create or strengthen a splice site. In summary, the available evidence is currently insufficient to determine the role of this variant in disease. Therefore, it has been classified as a Variant of Uncertain Significance.

NM_144687.4(NLRP12):c.216G>A (p.Leu72=)

Gene: NLRP12 (NLR family pyrin domain containing 12; minus strand). Cytogenetic location: 19q13.42.
Variant type: single nucleotide variant.
Coding change: c.216G>A on transcript NM_144687.4 (MANE Select); coding-DNA position 216, G replaced by A.
Protein change: p.Leu72=; no amino-acid change (leucine 72 retained).
Molecular consequence: synonymous variant.
Genome position (GRCh38, 1-based): chr19:53,823,959, C>T on the plus strand (G>A on the coding strand, the complement: NLRP12 is on the minus strand). VCF-style: chr19-53823959-C-T. GRCh37 (hg19) VCF-style: chr19-54327213-C-T.
Other names: c.216G>A, p.Leu72= (NM_001277126.2, NM_001277129.1).
Identifiers: ClinVar variation 4806440 (VCV004806440.1).